The following is an entry in ClinVar:

ClinVar aggregate classification (germline): Uncertain significance (1 of 4 stars; one submission).

Allele frequency attached by ClinVar (database versions not stated): TOPMed 0.00002.
gnomAD v4.1: 8 of 1,514,368 alleles (0.00053%); highest among the groups gnomAD compares: Non-Finnish European, 0.00071%; no homozygotes.

Submission:

Labcorp Genetics (formerly Invitae), Labcorp
Classification: Uncertain significance. Last evaluated: 2020-06-27. Review status: criteria provided, single submitter. Criteria: Invitae Variant Classification Sherloc (09022015). Collection method: clinical testing. Allele origin: germline.
Comment: Nucleotide substitutions within the consensus splice site are a relatively common cause of aberrant splicing (PMID: 17576681, 9536098). Algorithms developed to predict the effect of sequence changes on RNA splicing suggest that this variant may disrupt the consensus splice site, but this prediction has not been confirmed by published transcriptional studies. This variant has not been reported in the literature in individuals with C1QTNF5-related conditions. The frequency data for this variant in the population databases is considered unreliable, as metrics indicate insufficient coverage at this position in the ExAC database. This sequence change falls in intron 14 of the C1QTNF5 gene. It does not directly change the encoded amino acid sequence of the C1QTNF5 protein, but it affects a nucleotide within the consensus splice site of the intron. In summary, the available evidence is currently insufficient to determine the role of this variant in disease. Therefore, it has been classified as a Variant of Uncertain Significance.

Literature cited by the submitters: PubMed 17576681; PubMed 9536098.

NM_001278431.2(C1QTNF5):c.214+4A>G

Genes: C1QTNF5 (C1q and TNF related 5; minus strand), MFRP (membrane frizzled-related protein; minus strand). Cytogenetic location: 11q23.3.
Variant type: single nucleotide variant.
Coding change: c.214+4A>G on transcript NM_001278431.2 (MANE Select); 4 bases into the intron after coding-DNA position 214, A replaced by G.
Molecular consequence: intron variant.
Genome position (GRCh38, 1-based): chr11:119,340,180, T>C on the plus strand (A>G on the coding strand, the complement: C1QTNF5 is on the minus strand). VCF-style: chr11-119340180-T-C. GRCh37 (hg19) VCF-style: chr11-119210890-T-C.
Other names: c.214+4A>G (NM_015645.5); c.*1110+4A>G (NM_031433.4).
Identifiers: ClinVar variation 998486 (VCV000998486.6), dbSNP rs908260426, ClinGen allele CA229674845.